The following is an entry in ClinVar:

NM_001970.5(EIF5A):c.*12-3T>G

Gene: EIF5A (eukaryotic translation initiation factor 5A; plus strand). Cytogenetic location: 17p13.1.
Variant type: single nucleotide variant.
Coding change: c.*12-3T>G on transcript NM_001970.5 (MANE Select); 3 bases into the intron before 12 bases downstream of the stop codon, T replaced by G.
Molecular consequence: intron variant.
Genome position (GRCh38, 1-based): chr17:7,311,819, T>G. VCF-style: chr17-7311819-T-G. GRCh37 (hg19) VCF-style: chr17-7215138-T-G.
Other names: c.*12-3T>G (NM_001143760.1, NM_001370420.1, NM_001143761.1 and 2 more transcripts).
Identifiers: ClinVar variation 4886028 (VCV004886028.2).

ClinVar aggregate classification (germline): Uncertain significance (1 of 4 stars; one submission).

gnomAD v4.1: 1 of 972,966 alleles (0.0001%); no homozygotes.

Submission:

Dasa
Classification: Uncertain significance. Last evaluated: 2025-12-27. Review status: criteria provided, single submitter. Criteria: DASA Assertion Criteria. Collection method: clinical testing. Allele origin: germline.
Comment: NM_001970.5(EIF5A):c.*12-3T>G is a splice-region variant. This variant is rare in population databases. Computational prediction algorithms are consistent with a deleterious effect. The currently available literature and clinical evidence are not sufficient to establish a definitive association between this variant and the reported condition. Therefore, this variant is classified as a variant of uncertain significance.